The following is an entry in ClinVar:

NM_005188.4(CBL):c.1641T>C (p.Pro547=)

Gene: CBL (Cbl proto-oncogene; plus strand). Cytogenetic location: 11q23.3.
Variant type: single nucleotide variant.
Coding change: c.1641T>C on transcript NM_005188.4 (MANE Select); coding-DNA position 1641, T replaced by C.
Protein change: p.Pro547=; no amino-acid change (proline 547 retained).
Molecular consequence: synonymous variant.
Genome position (GRCh38, 1-based): chr11:119,285,266, T>C. VCF-style: chr11-119285266-T-C. GRCh37 (hg19) VCF-style: chr11-119155976-T-C.
Other names: p.P547P:CCT>CCC.
Identifiers: ClinVar variation 45202 (VCV000045202.56), dbSNP rs61755280, ClinGen allele CA135709.

ClinVar aggregate classification (germline): Benign/Likely benign. Review status: criteria provided, multiple submitters, no conflicts (2 of 4 stars). 15 submissions from 15 submitters: Benign (7); Likely benign (6). 2 of the submissions do not count toward it. Last evaluated 2026-08-01.

Conditions:
CBL-related disorder. Also called: NOONAN SYNDROME-LIKE DISORDER WITHOUT JUVENILE MYELOMONOCYTIC LEUKEMIA; CBL MUTATION-ASSOCIATED SYNDROME; CBL SYNDROME. Identifiers: Orphanet 363972, MedGen C3150803, MONDO:0013308, OMIM 613563.
Noonan syndrome and Noonan-related syndrome. Identifiers: Orphanet 98733, MedGen C5681679, MONDO:0020297.
Cardiovascular phenotype. Identifiers: MedGen CN230736.
RASopathy. Also called: rasopathies; Noonan spectrum disorder. Identifiers: Orphanet 536391, MedGen C5555857, MONDO:0021060.
Juvenile myelomonocytic leukemia (JMML). Also called: LEUKEMIA, JUVENILE MYELOMONOCYTIC, SOMATIC. Identifiers: Orphanet 86834, MedGen C0349639, MONDO:0011908, OMIM 607785, HP:0012209.

Allele frequency attached by ClinVar (database versions not stated): gnomAD 0.00074 and 0.00076; 1000 Genomes Project 0.00080; gnomAD exomes 0.00080 and 0.00057; TOPMed 0.00095; ESP Exome Variant Server 0.00131; ExAC 0.00077; 1000 Genomes Project 30x 0.00078.
gnomAD v4.1: 981 of 1,613,986 alleles (0.061%); highest among the groups gnomAD compares: Middle Eastern, 0.43%; 3 homozygotes.

Submissions (15):

CeGaT Center for Human Genetics Tuebingen
Classification: Likely benign. Last evaluated: 2026-08-01. Review status: criteria provided, single submitter. Criteria: CeGaT Center For Human Genetics Tuebingen Variant Classification Criteria Version 2. Collection method: clinical testing. Allele origin: germline. Affected: yes. Observed: 6 variant alleles.
Comment: CBL: BP4, BP7

Labcorp Genetics (formerly Invitae), Labcorp
Classification: Benign for RASopathy. Last evaluated: 2026-01-30. Review status: criteria provided, single submitter. Criteria: Invitae Variant Classification Sherloc (09022015). Collection method: clinical testing. Allele origin: germline.

Blueprint Genetics
Classification: Likely benign. Last evaluated: 2024-11-07. Review status: criteria provided, single submitter. Criteria: ACMG Guidelines, 2015. Collection method: clinical testing. Allele origin: germline.

KCCC/NGS Laboratory, Kuwait Cancer Control Center
Classification: Benign for Juvenile myelomonocytic leukemia. Last evaluated: 2023-07-07. Review status: criteria provided, single submitter. Criteria: ACMG Guidelines, 2015. Collection method: clinical testing. Allele origin: germline. Affected: yes.

Ambry Genetics
Classification: Likely benign for Cardiovascular phenotype. Last evaluated: 2022-03-12. Review status: criteria provided, single submitter. Criteria: Ambry Variant Classification Scheme 2023. Collection method: clinical testing. Allele origin: germline.

Genome Diagnostics Laboratory, The Hospital for Sick Children
Classification: Benign for Noonan syndrome and Noonan-related syndrome. Last evaluated: 2021-04-10. Review status: criteria provided, single submitter. Criteria: ACMG Guidelines, 2015. Collection method: clinical testing. Allele origin: germline.

Women's Health and Genetics/Laboratory Corporation of America, LabCorp
Classification: Likely benign. Last evaluated: 2020-09-06. Review status: criteria provided, single submitter. Criteria: LabCorp Variant Classification Summary - May 2015. Collection method: clinical testing. Allele origin: germline.

Genetic Services Laboratory, University of Chicago
Classification: Benign. Last evaluated: 2020-04-20. Review status: criteria provided, single submitter. Criteria: ACMG Guidelines, 2015. Collection method: clinical testing. Allele origin: germline. Affected: no.

Illumina Laboratory Services, Illumina
Classification: Benign for CBL-related disorder. Last evaluated: 2018-01-13. Review status: criteria provided, single submitter. Criteria: ICSL Variant Classification Criteria 13 December 2019. Collection method: clinical testing. Allele origin: germline.
Comment: This variant was observed in the ICSL laboratory as part of a predisposition screen in an ostensibly healthy population. It had not been previously curated by ICSL or reported in the Human Gene Mutation Database (HGMD: prior to June 1st, 2018), and was therefore a candidate for classification through an automated scoring system. Utilizing variant allele frequency, disease prevalence and penetrance estimates, and inheritance mode, an automated score was calculated to assess if this variant is too frequent to cause the disease. Based on the score and internal cut-off values, a variant classified as benign is not then subjected to further curation. The score for this variant resulted in a classification of benign for this disease.

Laboratory for Molecular Medicine, Mass General Brigham Personalized Medicine
Classification: Likely benign. Last evaluated: 2012-03-19. Review status: criteria provided, single submitter. Criteria: LMM Criteria. Collection method: clinical testing. Allele origin: germline. Observed: 2 variant alleles.
Comment: p.Pro547Pro in Exon 11 of CBL: This variant is not expected to have clinical sig nificance because it does not alter an amino acid residue, is not located within the splice consensus sequence. It has been identified in 0.2% (12/7020) of Euro pean American chromosomes from a broad population by the NHLBI Exome Sequencing Project (dbSNP rs61755280).

GeneDx
Classification: Benign. Last evaluated: 2012-01-17. Review status: criteria provided, single submitter. Criteria: GeneDx Variant Classification (06012015). Collection method: clinical testing. Allele origin: germline. Affected: yes.
Comment: This variant is considered likely benign or benign based on one or more of the following criteria: it is a conservative change, it occurs at a poorly conserved position in the protein, it is predicted to be benign by multiple in silico algorithms, and/or has population frequency not consistent with disease.

Breakthrough Genomics
Classification: Likely benign. Review status: criteria provided, single submitter. Criteria: ACMG Guidelines, 2015. Collection method: not provided. Allele origin: germline. Inheritance: Autosomal dominant inheritance. Affected: yes.

PreventionGenetics, part of Exact Sciences
Classification: Benign. Review status: criteria provided, single submitter. Criteria: ACMG Guidelines, 2015. Collection method: clinical testing. Allele origin: germline.

Clinical Genetics DNA and cytogenetics Diagnostics Lab, Erasmus MC, Erasmus Medical Center
Classification: Likely benign. Review status: no assertion criteria provided. Collection method: clinical testing. Allele origin: germline. Affected: yes. Study: VKGL Data-share Consensus. Not counted in ClinVar's aggregate classification.

Genome Diagnostics Laboratory, University Medical Center Utrecht
Classification: Benign. Review status: no assertion criteria provided. Collection method: clinical testing. Allele origin: germline. Affected: yes. Study: VKGL Data-share Consensus. Not counted in ClinVar's aggregate classification.

Literature cited by the submitters: PubMed 25224413 (cited by Women's Health and Genetics/Laboratory Corporation of America, LabCorp); PubMed 21828135 (cited by Women's Health and Genetics/Laboratory Corporation of America, LabCorp); PubMed 23690417 (cited by Women's Health and Genetics/Laboratory Corporation of America, LabCorp); PubMed 19387008 (cited by Women's Health and Genetics/Laboratory Corporation of America, LabCorp); PubMed 19901108 (cited by Women's Health and Genetics/Laboratory Corporation of America, LabCorp); PubMed 20951944 (cited by Women's Health and Genetics/Laboratory Corporation of America, LabCorp); PubMed 19620960 (cited by Women's Health and Genetics/Laboratory Corporation of America, LabCorp); PubMed 22733026 (cited by Women's Health and Genetics/Laboratory Corporation of America, LabCorp); PubMed 29296819 (cited by Women's Health and Genetics/Laboratory Corporation of America, LabCorp); PubMed 27069254 (cited by Women's Health and Genetics/Laboratory Corporation of America, LabCorp).